The following is an entry in ClinVar:

NM_003000.3(SDHB):c.155C>A (p.Ala52Asp)

Gene: SDHB (succinate dehydrogenase complex iron sulfur subunit B; minus strand). Cytogenetic location: 1p36.13.
Variant type: single nucleotide variant.
Coding change: c.155C>A on transcript NM_003000.3 (MANE Select); coding-DNA position 155, C replaced by A.
Protein change: p.Ala52Asp; replaces alanine 52 with aspartic acid.
Molecular consequence: missense variant.
Genome position (GRCh38, 1-based): chr1:17,044,806, G>T on the plus strand (C>A on the coding strand, the complement: SDHB is on the minus strand). VCF-style: chr1-17044806-G-T. GRCh37 (hg19) VCF-style: chr1-17371301-G-T.
Other names: short protein forms A52D.
Identifiers: ClinVar variation 239422 (VCV000239422.6), dbSNP rs878854573, ClinGen allele CA10581751.

ClinVar aggregate classification (germline): Uncertain significance (1 of 4 stars; one submission).

Conditions:
Gastrointestinal stromal tumor. Also called: Gastrointestinal stromal tumor, somatic; Gastrointestinal stroma tumor. Identifiers: Orphanet 44890, MedGen C0238198, MeSH D046152, MONDO:0011719, OMIM 606764, HP:0100723.
Pheochromocytoma. Also called: MAX-Related Hereditary Paraganglioma-Pheochromocytoma Syndrome. Identifiers: Orphanet 29072, MedGen C0031511, MONDO:0008233, OMIM 171300, HP:0002666.
Pheochromocytoma/paraganglioma syndrome 4. Also called: PARAGANGLIOMA, FAMILIAL MALIGNANT; PARAGANGLIOMAS, HEREDITARY EXTRAADRENAL; PHEOCHROMOCYTOMA, FAMILIAL EXTRAADRENAL; Paragangliomas 4; SDHB-Related Hereditary Paraganglioma-Pheochromocytoma Syndrome (Paragangliomas 4); SDHB-Related Hereditary Paraganglioma-Pheochromocytoma Syndrome. Identifiers: Orphanet 29072, MedGen C1861848, MONDO:0007273, OMIM 115310.

Submission:

Labcorp Genetics (formerly Invitae), Labcorp
Classification: Uncertain significance for Gastrointestinal stromal tumor; Pheochromocytoma/paraganglioma syndrome 4; Pheochromocytoma. Last evaluated: 2018-05-01. Review status: criteria provided, single submitter. Criteria: Invitae Variant Classification Sherloc (09022015). Collection method: clinical testing. Allele origin: germline.
Comment: In summary, the available evidence is currently insufficient to determine the role of this variant in disease. Therefore, it has been classified as a Variant of Uncertain Significance. Algorithms developed to predict the effect of missense changes on protein structure and function (SIFT, PolyPhen-2, Align-GVGD) all suggest that this variant is likely to be tolerated, but these predictions have not been confirmed by published functional studies and their clinical significance is uncertain. This variant has not been reported in the literature in individuals with SDHB-related disease. ClinVar contains an entry for this variant (Variation ID: 239422). This variant is not present in population databases (ExAC no frequency). This sequence change replaces alanine with aspartic acid at codon 52 of the SDHB protein (p.Ala52Asp). The alanine residue is weakly conserved and there is a moderate physicochemical difference between alanine and aspartic acid.